The following is an entry in ClinVar:

NM_004035.7(ACOX1):c.944+6G>T

Gene: ACOX1 (acyl-CoA oxidase 1; minus strand). Cytogenetic location: 17q25.1.
Variant type: single nucleotide variant.
Coding change: c.944+6G>T on transcript NM_004035.7 (MANE Select); 6 bases into the intron after coding-DNA position 944, G replaced by T.
Molecular consequence: intron variant.
Genome position (GRCh38, 1-based): chr17:75,953,445, C>A on the plus strand (G>T on the coding strand, the complement: ACOX1 is on the minus strand). VCF-style: chr17-75953445-C-A. GRCh37 (hg19) VCF-style: chr17-73949526-C-A.
Other names: c.944+6G>T (NM_007292.6); c.830+6G>T (NM_001185039.2).
Identifiers: ClinVar variation 3639150 (VCV003639150.2).
Genomic context (GRCh38, chr17:75,953,445, plus strand): 5'-TCTGGGATCTGAATGGGGTAAAAACTAGGCCTTTGGTACTGAGCCCATCTAGGACCCTAT[C>A]CTTACCCTGGCTTGATTTCAGACTGGTGCCTCACAGCGCTGTATCGGATGGCAATGGTGC-3'

ClinVar aggregate classification (germline): Uncertain significance (1 of 4 stars; one submission).

Conditions:
Acyl-CoA oxidase deficiency. Also called: STRAIGHT-CHAIN ACYL-CoA OXIDASE DEFICIENCY; Pseudoneonatal adrenoleukodystrophy; Peroxisomal acyl-CoA oxidase deficiency. Identifiers: Orphanet 2971, MedGen C1849678, MONDO:0009919, OMIM 264470. Disease mechanism: loss of function.

Submission:

Labcorp Genetics (formerly Invitae), Labcorp
Classification: Uncertain significance for Acyl-CoA oxidase deficiency. Last evaluated: 2024-02-06. Review status: criteria provided, single submitter. Criteria: Invitae Variant Classification Sherloc (09022015). Collection method: clinical testing. Allele origin: germline.
Comment: This sequence change falls in intron 7 of the ACOX1 gene. It does not directly change the encoded amino acid sequence of the ACOX1 protein. It affects a nucleotide within the consensus splice site. This variant is not present in population databases (gnomAD no frequency). This variant has not been reported in the literature in individuals affected with ACOX1-related conditions. Variants that disrupt the consensus splice site are a relatively common cause of aberrant splicing (PMID: 17576681, 9536098). Algorithms developed to predict the effect of sequence changes on RNA splicing suggest that this variant is not likely to affect RNA splicing. In summary, the available evidence is currently insufficient to determine the role of this variant in disease. Therefore, it has been classified as a Variant of Uncertain Significance.

Literature cited by the submitters: PubMed 17576681; PubMed 9536098.